The following is an entry in ClinVar:

NM_001042492.3(NF1):c.5315T>A (p.Val1772Asp)

Gene: NF1 (neurofibromin 1; plus strand). Cytogenetic location: 17q11.2.
Variant type: single nucleotide variant.
Coding change: c.5315T>A on transcript NM_001042492.3 (MANE Select); coding-DNA position 5315, T replaced by A.
Protein change: p.Val1772Asp; replaces valine 1772 with aspartic acid.
Molecular consequence: missense variant.
Genome position (GRCh38, 1-based): chr17:31,327,545, T>A. VCF-style: chr17-31327545-T-A. GRCh37 (hg19) VCF-style: chr17-29654563-T-A.
Other names: c.5252T>A, p.Val1751Asp (NM_000267.4); short protein forms V1772D, V1751D.
Identifiers: ClinVar variation 644781 (VCV000644781.10), dbSNP rs1209831572, ClinGen allele CA399009099.

ClinVar aggregate classification (germline): Conflicting classifications of pathogenicity. Review status: criteria provided, conflicting classifications (1 of 4 stars). 2 submissions from 2 submitters: Pathogenic (1); Uncertain significance (1). Last evaluated 2024-04-18.

Conditions:
Neurofibromatosis, type 1 (NF1). Also called: NEUROFIBROMATOSIS, TYPE I, SOMATIC; VON RECKLINGHAUSEN DISEASE; Neurofibromatosis, type I; Peripheral type neurofibromatosis. Identifiers: Orphanet 636, MedGen C0027831, MONDO:0018975, OMIM 162200. Disease mechanism: loss of function.
Hereditary cancer-predisposing syndrome. Also called: Neoplastic Syndromes, Hereditary; Hereditary Cancer Syndrome; Hereditary neoplastic syndrome; Tumor predisposition. Identifiers: Orphanet 140162, MedGen C0027672, MeSH D009386, MONDO:0015356.
Cardiovascular phenotype. Identifiers: MedGen CN230736.

Allele frequency attached by ClinVar (database versions not stated): gnomAD exomes below 0.00001.
gnomAD v4.1: 1 of 1,614,156 alleles (0.000062%); highest among the groups gnomAD compares: Admixed American, 0.0017%; no homozygotes.

Submissions (2):

Labcorp Genetics (formerly Invitae), Labcorp
Classification: Pathogenic for Neurofibromatosis, type 1. Last evaluated: 2024-04-18. Review status: criteria provided, single submitter. Criteria: Invitae Variant Classification Sherloc (09022015). Collection method: clinical testing. Allele origin: germline.
Comment: This sequence change replaces valine, which is neutral and non-polar, with aspartic acid, which is acidic and polar, at codon 1751 of the NF1 protein (p.Val1751Asp). This variant is present in population databases (no rsID available, gnomAD 0.003%). This missense change has been observed in individual(s) with NF1-related conditions (Invitae). In at least one individual the variant was observed to be de novo. ClinVar contains an entry for this variant (Variation ID: 644781). Advanced modeling of protein sequence and biophysical properties (such as structural, functional, and spatial information, amino acid conservation, physicochemical variation, residue mobility, and thermodynamic stability) performed at Invitae indicates that this missense variant is expected to disrupt NF1 protein function with a positive predictive value of 95%. For these reasons, this variant has been classified as Pathogenic.

Ambry Genetics
Classification: Uncertain significance for Cardiovascular phenotype; Hereditary cancer-predisposing syndrome. Last evaluated: 2023-08-27. Review status: criteria provided, single submitter. Criteria: Ambry Variant Classification Scheme 2023. Collection method: clinical testing. Allele origin: germline.
Comment: The p.V1751D variant (also known as c.5252T>A), located in coding exon 37 of the NF1 gene, results from a T to A substitution at nucleotide position 5252. The valine at codon 1751 is replaced by aspartic acid, an amino acid with highly dissimilar properties. This amino acid position is conserved. In addition, this alteration is predicted to be deleterious by in silico analysis. Since supporting evidence is limited at this time, the clinical significance of this alteration remains unclear.